The following is an entry in ClinVar:

ClinVar aggregate classification (germline): Uncertain significance (1 of 4 stars; one submission).

gnomAD v4.1: 2 of 1,433,216 alleles (0.00014%); highest among the groups gnomAD compares: South Asian, 0.0023%; no homozygotes.

Submission:

GeneDx
Classification: Uncertain significance. Last evaluated: 2026-03-05. Review status: criteria provided, single submitter. Criteria: GeneDx Variant Classification Process June 2021. Collection method: clinical testing. Allele origin: germline.
Comment: Not observed at significant frequency in large population cohorts (gnomAD); In silico analysis suggests that this missense variant does not alter protein structure/function; Has not been previously published as pathogenic or benign to our knowledge

NM_021971.4(GMPPB):c.937C>A (p.Arg313Ser)

Gene: GMPPB (GDP-mannose pyrophosphorylase B; minus strand). Cytogenetic location: 3p21.31.
Variant type: single nucleotide variant.
Coding change: c.937C>A on transcript NM_021971.4 (MANE Select); coding-DNA position 937, C replaced by A.
Protein change: p.Arg313Ser; replaces arginine 313 with serine.
Molecular consequence: missense variant.
Genome position (GRCh38, 1-based): chr3:49,721,979, G>T on the plus strand (C>A on the coding strand, the complement: GMPPB is on the minus strand). VCF-style: chr3-49721979-G-T. GRCh37 (hg19) VCF-style: chr3-49759412-G-T.
Other names: c.937C>A, p.Arg313Ser (NM_013334.4); short protein forms R313S.
Identifiers: ClinVar variation 5009812 (VCV005009812.1).